The following is an entry in ClinVar:

NM_005076.5(CNTN2):c.851G>A (p.Trp284Ter)

Gene: CNTN2 (contactin 2; plus strand). Cytogenetic location: 1q32.1.
Variant type: single nucleotide variant.
Coding change: c.851G>A on transcript NM_005076.5 (MANE Select); coding-DNA position 851, G replaced by A.
Protein change: p.Trp284Ter; replaces tryptophan 284 with a stop codon.
Molecular consequence: nonsense. On other transcripts: non-coding transcript variant (1).
Genome position (GRCh38, 1-based): chr1:205,061,298, G>A. VCF-style: chr1-205061298-G-A. GRCh37 (hg19) VCF-style: chr1-205030426-G-A.
Other names: c.851G>A, p.Trp284Ter (NM_001346083.2); short protein forms W284*.
Identifiers: ClinVar variation 2111360 (VCV002111360.4), dbSNP rs1446948758, ClinGen allele CA344409262.

ClinVar aggregate classification (germline): Pathogenic (1 of 4 stars; one submission).

Conditions:
Epilepsy, familial adult myoclonic, 5 (EPEO5). Also called: CORTICAL MYOCLONIC TREMOR WITH EPILEPSY, FAMILIAL, 5. Identifiers: Orphanet 86814, MedGen C3809374, MONDO:0014167, OMIM 615400.

Allele frequency attached by ClinVar (database versions not stated): gnomAD exomes below 0.00001.
gnomAD v4.1: 4 of 1,614,092 alleles (0.00025%); highest among the groups gnomAD compares: Non-Finnish European, 0.00034%; no homozygotes.

Submission:

Labcorp Genetics (formerly Invitae), Labcorp
Classification: Pathogenic for Epilepsy, familial adult myoclonic, 5. Last evaluated: 2024-03-22. Review status: criteria provided, single submitter. Criteria: Invitae Variant Classification Sherloc (09022015). Collection method: clinical testing. Allele origin: germline.
Comment: This sequence change creates a premature translational stop signal (p.Trp284*) in the CNTN2 gene. It is expected to result in an absent or disrupted protein product. Loss-of-function variants in CNTN2 are known to be pathogenic (PMID: 11178983, 23518707). This variant is present in population databases (no rsID available, gnomAD 0.0009%). This variant has not been reported in the literature in individuals affected with CNTN2-related conditions. ClinVar contains an entry for this variant (Variation ID: 2111360). For these reasons, this variant has been classified as Pathogenic.

Literature cited by the submitters: PubMed 11178983; PubMed 23518707.